The following is an entry in ClinVar:

NM_000368.5(TSC1):c.188C>T (p.Thr63Ile)

Gene: TSC1 (TSC complex subunit 1; minus strand). Cytogenetic location: 9q34.13.
Variant type: single nucleotide variant.
Coding change: c.188C>T on transcript NM_000368.5 (MANE Select); coding-DNA position 188, C replaced by T.
Protein change: p.Thr63Ile; replaces threonine 63 with isoleucine.
Molecular consequence: missense variant. On other transcripts: intron variant (1).
Genome position (GRCh38, 1-based): chr9:132,927,223, G>A on the plus strand (C>T on the coding strand, the complement: TSC1 is on the minus strand). VCF-style: chr9-132927223-G-A. GRCh37 (hg19) VCF-style: chr9-135802610-G-A.
Other names: c.188C>T, p.Thr63Ile (NM_001162426.2, NM_001162427.2); c.-153-1484C>T (NM_001362177.2); short protein forms T63I.
Identifiers: ClinVar variation 574263 (VCV000574263.8), dbSNP rs1564503204, ClinGen allele CA375375069.

ClinVar aggregate classification (germline): Uncertain significance (1 of 4 stars; one submission).

Conditions:
Tuberous sclerosis 1 (TSC1). Identifiers: Orphanet 805, MedGen C1854465, MONDO:0008612, OMIM 191100.

Submission:

Labcorp Genetics (formerly Invitae), Labcorp
Classification: Uncertain significance for Tuberous sclerosis 1. Last evaluated: 2021-05-27. Review status: criteria provided, single submitter. Criteria: Invitae Variant Classification Sherloc (09022015). Collection method: clinical testing. Allele origin: germline.
Comment: In summary, the available evidence is currently insufficient to determine the role of this variant in disease. Therefore, it has been classified as a Variant of Uncertain Significance. Algorithms developed to predict the effect of missense changes on protein structure and function do not agree on the potential impact of this missense change (SIFT: "Deleterious"; PolyPhen-2: "Possibly Damaging"; Align-GVGD: "Class C0"). This variant has not been reported in the literature in individuals with TSC1-related disease. This variant is not present in population databases (ExAC no frequency). This sequence change replaces threonine with isoleucine at codon 63 of the TSC1 protein (p.Thr63Ile). The threonine residue is moderately conserved and there is a moderate physicochemical difference between threonine and isoleucine.